The following is an entry in ClinVar:

ClinVar aggregate classification (germline): Benign (0 of 4 stars; one submission).

Conditions:
NAA50-related disorder. Also called: NAA50-related condition.

Allele frequency attached by ClinVar (database versions not stated): 1000 Genomes Project 0.00839; 1000 Genomes Project 30x 0.00843; TOPMed 0.01670; gnomAD 0.01807; ESP Exome Variant Server 0.01905; gnomAD exomes 0.02401; ExAC 0.03123.
gnomAD v4.1: 35,589 of 1,528,430 alleles (2.3%); highest among the groups gnomAD compares: Non-Finnish European, 2.8%; 500 homozygotes.

Submission:

PreventionGenetics, part of Exact Sciences
Classification: Benign for NAA50-related condition. Last evaluated: 2019-11-07. Review status: no assertion criteria provided. Collection method: clinical testing. Allele origin: germline.
Comment: This variant is classified as benign based on ACMG/AMP sequence variant interpretation guidelines (Richards et al. 2015 PMID: 25741868, with internal and published modifications).

NM_025146.4(NAA50):c.267A>G (p.Gly89=)

Gene: NAA50 (N-alpha-acetyltransferase 50, NatE catalytic subunit; minus strand). Cytogenetic location: 3q13.31.
Variant type: single nucleotide variant.
Coding change: c.267A>G on transcript NM_025146.4 (MANE Select); coding-DNA position 267, A replaced by G.
Protein change: p.Gly89=; no amino-acid change (glycine 89 retained).
Molecular consequence: synonymous variant.
Genome position (GRCh38, 1-based): chr3:113,722,971, T>C on the plus strand (A>G on the coding strand, the complement: NAA50 is on the minus strand). VCF-style: chr3-113722971-T-C. GRCh37 (hg19) VCF-style: chr3-113441818-T-C.
Other names: c.264A>G, p.Gly88= (NM_001308445.2).
Identifiers: ClinVar variation 3038008 (VCV003038008.2), dbSNP rs34588634, ClinGen allele CA2547607.